The following is an entry in ClinVar:

NM_033380.3(COL4A5):c.3530C>G (p.Pro1177Arg)

Gene: COL4A5 (collagen type IV alpha 5 chain; plus strand). Cytogenetic location: Xq22.3.
Variant type: single nucleotide variant.
Coding change: c.3530C>G on transcript NM_033380.3 (MANE Select); coding-DNA position 3530, C replaced by G.
Protein change: p.Pro1177Arg; replaces proline 1177 with arginine.
Molecular consequence: missense variant.
Genome position (GRCh38, 1-based): chrX:108,666,571, C>G. VCF-style: chrX-108666571-C-G. GRCh37 (hg19) VCF-style: chrX-107909801-C-G.
Other names: c.3530C>G, p.Pro1177Arg (NM_000495.5); short protein forms P1177R.
Identifiers: ClinVar variation 1305968 (VCV001305968.2), dbSNP rs759897999, ClinGen allele CA413847836.

ClinVar aggregate classification (germline): Uncertain significance (1 of 4 stars; one submission).

Submission:

GeneDx
Classification: Uncertain significance. Last evaluated: 2019-05-30. Review status: criteria provided, single submitter. Criteria: GeneDx Variant Classification Process June 2021. Collection method: clinical testing. Allele origin: germline. Affected: yes.
Comment: In silico analysis, which includes protein predictors and evolutionary conservation, supports that this variant does not alter protein structure/function; Not observed in large population cohorts (Lek et al., 2016); Has not been previously published as pathogenic or benign to our knowledge